The following is an entry in ClinVar:

NM_012186.3(FOXE3):c.642G>T (p.Ala214=)

Genes: FOXE3 (forkhead box E3; plus strand), LINC01389 (long independently transcribed non-coding RNA 1389; minus strand). Cytogenetic location: 1p33.
Variant type: single nucleotide variant.
Coding change: c.642G>T on transcript NM_012186.3 (MANE Select); coding-DNA position 642, G replaced by T.
Protein change: p.Ala214=; no amino-acid change (alanine 214 retained).
Molecular consequence: synonymous variant.
Genome position (GRCh38, 1-based): chr1:47,416,957, G>T. VCF-style: chr1-47416957-G-T. GRCh37 (hg19) VCF-style: chr1-47882629-G-T.
Identifiers: ClinVar variation 2932434 (VCV002932434.3), dbSNP rs1166835020, ClinGen allele CA417892850.

ClinVar aggregate classification (germline): Uncertain significance (1 of 4 stars; one submission).

Conditions:
Anterior segment dysgenesis. Also called: Ocular anterior segment dysgenesis. Identifiers: Orphanet 88632, MedGen C1862839, MONDO:0019503, HP:0007700.
Congenital primary aphakia. Also called: Anterior segment dysgenesis 2, multiple subtypes; ANTERIOR SEGMENT DYSGENESIS 2. Identifiers: Orphanet 83461, MedGen C1853230, MONDO:0012456, OMIM 610256.

Allele frequency attached by ClinVar (database versions not stated): TOPMed below 0.00001.

Submission:

Labcorp Genetics (formerly Invitae), Labcorp
Classification: Uncertain significance for Anterior segment dysgenesis; Congenital primary aphakia. Last evaluated: 2024-02-17. Review status: criteria provided, single submitter. Criteria: Invitae Variant Classification Sherloc (09022015). Collection method: clinical testing. Allele origin: germline.
Comment: This sequence change affects codon 214 of the FOXE3 mRNA. It is a 'silent' change, meaning that it does not change the encoded amino acid sequence of the FOXE3 protein. This variant is not present in population databases (gnomAD no frequency). This variant has not been reported in the literature in individuals affected with FOXE3-related conditions. In summary, the available evidence is currently insufficient to determine the role of this variant in disease. Therefore, it has been classified as a Variant of Uncertain Significance.